The following is an entry in ClinVar:

ClinVar aggregate classification (germline): Likely benign (1 of 4 stars; one submission).

Allele frequency attached by ClinVar (database versions not stated): gnomAD 0.00001; gnomAD exomes 0.00001.
gnomAD v4.1: 13 of 1,211,322 alleles (0.0011%); highest among the groups gnomAD compares: Middle Eastern, 0.023%; no homozygotes.

Submission:

CeGaT Center for Human Genetics Tuebingen
Classification: Likely benign. Last evaluated: 2022-07-01. Review status: criteria provided, single submitter. Criteria: CeGaT Center For Human Genetics Tuebingen Variant Classification Criteria Version 2. Collection method: clinical testing. Allele origin: germline. Affected: yes. Observed: 1 variant allele.
Comment: ATP2B3: BP4, BP7

NM_001001344.3(ATP2B3):c.1773C>T (p.Asp591=)

Gene: ATP2B3 (ATPase plasma membrane Ca2+ transporting 3; plus strand). Cytogenetic location: Xq28.
Variant type: single nucleotide variant.
Coding change: c.1773C>T on transcript NM_001001344.3 (MANE Select); coding-DNA position 1773, C replaced by T.
Protein change: p.Asp591=; no amino-acid change (aspartic acid 591 retained).
Molecular consequence: synonymous variant.
Genome position (GRCh38, 1-based): chrX:153,550,236, C>T. VCF-style: chrX-153550236-C-T. GRCh37 (hg19) VCF-style: chrX-152815694-C-T.
Other names: c.1773C>T, p.Asp591= (NM_001388360.1, NM_001388361.1, NM_001388362.1 and 1 more transcripts); c.1731C>T, p.Asp577= (NM_001410708.1).
Identifiers: ClinVar variation 2661697 (VCV002661697.24), dbSNP rs144084270, ClinGen allele CA10547801.